The following is an entry in ClinVar:

ClinVar aggregate classification (germline): Uncertain significance (1 of 4 stars; one submission).

Conditions:
Cardiovascular phenotype. Identifiers: MedGen CN230736.

Allele frequency attached by ClinVar (database versions not stated): gnomAD 0.00001; TOPMed 0.00003.
gnomAD v4.1: 5 of 1,609,028 alleles (0.00031%); highest among the groups gnomAD compares: African/African-American, 0.0053%; no homozygotes.

Submission:

Ambry Genetics
Classification: Uncertain significance for Cardiovascular phenotype. Last evaluated: 2025-08-19. Review status: criteria provided, single submitter. Criteria: Ambry Variant Classification Scheme 2023. Collection method: clinical testing. Allele origin: germline.
Comment: The p.R416W variant (also known as c.1246C>T), located in coding exon 9 of the LMF1 gene, results from a C to T substitution at nucleotide position 1246. The arginine at codon 416 is replaced by tryptophan, an amino acid with dissimilar properties. This amino acid position is conserved. In addition, this alteration is predicted to be deleterious by in silico analysis. Since supporting evidence is limited at this time, the clinical significance of this alteration remains unclear.

NM_022773.4(LMF1):c.1246C>T (p.Arg416Trp)

Gene: LMF1 (lipase maturation factor 1; minus strand). Cytogenetic location: 16p13.3.
Variant type: single nucleotide variant.
Coding change: c.1246C>T on transcript NM_022773.4 (MANE Select); coding-DNA position 1246, C replaced by T.
Protein change: p.Arg416Trp; replaces arginine 416 with tryptophan.
Molecular consequence: missense variant. On other transcripts: non-coding transcript variant (1).
Genome position (GRCh38, 1-based): chr16:870,053, G>A on the plus strand (C>T on the coding strand, the complement: LMF1 is on the minus strand). VCF-style: chr16-870053-G-A. GRCh37 (hg19) VCF-style: chr16-920053-G-A.
Other names: c.595C>T, p.Arg199Trp (NM_001352017.2, NM_001352021.2); c.847C>T, p.Arg283Trp (NM_001352018.2); c.919C>T, p.Arg307Trp (NM_001352019.2); c.1246C>T, p.Arg416Trp (NM_001352020.1); short protein forms R307W, R199W, R283W, R416W.
Identifiers: ClinVar variation 1759619 (VCV001759619.3), dbSNP rs1005825469, ClinGen allele CA276575018.
Genomic context (GRCh38, chr16:870,053, plus strand): 5'-ACATGGCATCGGGGGCGCTGGCGTTGGAGCTGGCTGTGCCCTGCAGGATCACCTCCGCCC[G>A]CTCCTTGGTGATGCTGCCGGGAGACCGAGGCAGGCCAGGCCCACGTCACACACCGGCTGG-3'
Protein context (NP_073610.2, residues 406-426): YGAFGSITKE[Arg416Trp]AEVILQGTAS